The following is an entry in ClinVar:

NM_000038.6(APC):c.1496G>T (p.Arg499Leu)

Gene: APC (APC regulator of Wnt signaling pathway; plus strand). Cytogenetic location: 5q22.2.
Variant type: single nucleotide variant.
Coding change: c.1496G>T on transcript NM_000038.6 (MANE Select); coding-DNA position 1496, G replaced by T.
Protein change: p.Arg499Leu; replaces arginine 499 with leucine.
Molecular consequence: missense variant.
Genome position (GRCh38, 1-based): chr5:112,827,195, G>T. VCF-style: chr5-112827195-G-T. GRCh37 (hg19) VCF-style: chr5-112162892-G-T.
Other names: c.1496G>T, p.Arg499Leu (NM_001127510.3, NM_001354895.2, NM_001407450.1); c.1442G>T, p.Arg481Leu (NM_001127511.3); c.1550G>T, p.Arg517Leu (NM_001354896.2, NM_001407447.1, NM_001407448.1 and 1 more transcripts); c.1526G>T, p.Arg509Leu (NM_001354897.2); c.1421G>T, p.Arg474Leu (NM_001354898.2); c.1412G>T, p.Arg471Leu (NM_001354899.2); c.1373G>T, p.Arg458Leu (NM_001354900.2); c.1319G>T, p.Arg440Leu (NM_001354901.2, NM_001407453.1); and 11 more; short protein forms R339L, R370L, R408L, R474L, R115L, R458L, R471L, R499L.
Identifiers: ClinVar variation 2566951 (VCV002566951.2), dbSNP rs1580565504, ClinGen allele CA16024581.
Genomic context (GRCh38, chr5:112,827,195, plus strand): 5'-TGCAAGTGGACTGTGAAATGTATGGGCTTACTAATGACCACTACAGTATTACACTAAGAC[G>T]ATATGCTGGAATGGCTTTGACAAACTTGACTTTTGGAGATGTAGCCAACAAGGTATGTTT-3'
Protein context (NP_000029.2, residues 489-509): TNDHYSITLR[Arg499Leu]YAGMALTNLT

ClinVar aggregate classification (germline): Uncertain significance (1 of 4 stars; one submission).

Conditions:
Hereditary cancer-predisposing syndrome. Also called: Hereditary neoplastic syndrome; Hereditary Cancer Syndrome; Neoplastic Syndromes, Hereditary; Tumor predisposition. Identifiers: Orphanet 140162, MedGen C0027672, MeSH D009386, MONDO:0015356.

Submission:

Ambry Genetics
Classification: Uncertain significance for Hereditary cancer-predisposing syndrome. Last evaluated: 2023-04-03. Review status: criteria provided, single submitter. Criteria: Ambry Variant Classification Scheme 2023. Collection method: clinical testing. Allele origin: germline.
Comment: The p.R499L variant (also known as c.1496G>T), located in coding exon 11 of the APC gene, results from a G to T substitution at nucleotide position 1496. The arginine at codon 499 is replaced by leucine, an amino acid with dissimilar properties. This amino acid position is conserved. In addition, in silico predictors for this gene do not accurately predict pathogenicity. Since supporting evidence is limited at this time, the clinical significance of this alteration remains unclear.